The following is an entry in ClinVar:

NM_144643.4(SCLT1):c.2005-17_2005-14del

Gene: SCLT1 (sodium channel and clathrin linker 1; minus strand). Cytogenetic location: 4q28.2.
Variant type: Deletion.
Coding change: c.2005-17_2005-14del on transcript NM_144643.4 (MANE Select); 17 bases into the intron before coding-DNA position 2005 through 14 bases into the intron before coding-DNA position 2005, 4 bases deleted (GTTT; older notation c.2005-17_2005-14delGTTT).
Molecular consequence: intron variant.
Genome position (GRCh38, 1-based): chr4:128,884,553-128,884,556, AAAC deleted on the plus strand (GTTT on the coding strand, the reverse complement: SCLT1 is on the minus strand); deleting any 4 consecutive bases within chr4:128,884,553-128,884,558 gives the same sequence; the c. name uses the placement nearest the transcript's 3' end. VCF-style (leftmost placement, unchanged base first): chr4-128884552-TAAAC-T. GRCh37 (hg19) VCF-style: chr4-129805707-TAAAC-T.
Identifiers: ClinVar variation 2003944 (VCV002003944.4), dbSNP rs2530790116, ClinGen allele CA2580071542.

ClinVar aggregate classification (germline): Uncertain significance (1 of 4 stars; one submission).

Submission:

Labcorp Genetics (formerly Invitae), Labcorp
Classification: Uncertain significance. Last evaluated: 2022-07-06. Review status: criteria provided, single submitter. Criteria: Invitae Variant Classification Sherloc (09022015). Collection method: clinical testing. Allele origin: germline.
Comment: This sequence change falls in intron 20 of the SCLT1 gene. It does not directly change the encoded amino acid sequence of the SCLT1 protein. This variant is not present in population databases (gnomAD no frequency). This variant has not been reported in the literature in individuals affected with SCLT1-related conditions. Algorithms developed to predict the effect of sequence changes on RNA splicing suggest that this variant may disrupt the consensus splice site. In summary, the available evidence is currently insufficient to determine the role of this variant in disease. Therefore, it has been classified as a Variant of Uncertain Significance.